The following is an entry in ClinVar:

ClinVar aggregate classification (germline): Uncertain significance (1 of 4 stars; one submission).

Conditions:
Familial thoracic aortic aneurysm and aortic dissection (TAAD). Also called: Thoracic aortic aneurysms and dissections. Identifiers: Orphanet 91387, MedGen C4707243, MONDO:0019625.

Allele frequency attached by ClinVar (database versions not stated): gnomAD exomes below 0.00001.

Submission:

Ambry Genetics
Classification: Uncertain significance for Familial thoracic aortic aneurysm and aortic dissection. Last evaluated: 2024-01-01. Review status: criteria provided, single submitter. Criteria: Ambry Variant Classification Scheme 2023. Collection method: clinical testing. Allele origin: germline.
Comment: The p.A130V variant (also known as c.389C>T), located in coding exon 3 of the CBS gene, results from a C to T substitution at nucleotide position 389. The alanine at codon 130 is replaced by valine, an amino acid with similar properties. This amino acid position is highly conserved in available vertebrate species. In addition, this alteration is predicted to be deleterious by in silico analysis. Since supporting evidence is limited at this time, the clinical significance of this alteration remains unclear.

NM_000071.3(CBS):c.389C>T (p.Ala130Val)

Gene: CBS (cystathionine beta-synthase; minus strand). Cytogenetic location: 21q22.3.
Variant type: single nucleotide variant.
Coding change: c.389C>T on transcript NM_000071.3 (MANE Select); coding-DNA position 389, C replaced by T.
Protein change: p.Ala130Val; replaces alanine 130 with valine.
Molecular consequence: missense variant.
Genome position (GRCh38, 1-based): chr21:43,066,305, G>A on the plus strand (C>T on the coding strand, the complement: CBS is on the minus strand). VCF-style: chr21-43066305-G-A. GRCh37 (hg19) VCF-style: chr21-44486415-G-A.
Other names: c.389C>T, p.Ala130Val (NM_001178008.3, NM_001178009.3, NM_001320298.2); c.74C>T, p.Ala25Val (NM_001321072.1); short protein forms A130V, A25V.
Identifiers: ClinVar variation 519590 (VCV000519590.5), dbSNP rs1301672360, ClinGen allele CA410601798.